The following is an entry in ClinVar:

NM_001370466.1(NOD2):c.538C>G (p.Pro180Ala)

Gene: NOD2 (nucleotide binding oligomerization domain containing 2; plus strand). Cytogenetic location: 16q12.1.
Variant type: single nucleotide variant.
Coding change: c.538C>G on transcript NM_001370466.1 (MANE Select); coding-DNA position 538, C replaced by G.
Protein change: p.Pro180Ala; replaces proline 180 with alanine.
Molecular consequence: missense variant. On other transcripts: non-coding transcript variant (1).
Genome position (GRCh38, 1-based): chr16:50,707,933, C>G. VCF-style: chr16-50707933-C-G. GRCh37 (hg19) VCF-style: chr16-50741844-C-G.
Other names: c.538C>G, p.Pro180Ala (NM_001293557.2); c.619C>G, p.Pro207Ala (NM_022162.3); short protein forms P180A, P207A.
Identifiers: ClinVar variation 3389405 (VCV003389405.14).

ClinVar aggregate classification (germline): Uncertain significance (1 of 4 stars; one submission).

gnomAD v4.1: 10 of 1,613,480 alleles (0.00062%); highest among the groups gnomAD compares: Non-Finnish European, 0.00085%; no homozygotes.

Submission:

CeGaT Center for Human Genetics Tuebingen
Classification: Uncertain significance. Last evaluated: 2024-10-01. Review status: criteria provided, single submitter. Criteria: CeGaT Center For Human Genetics Tuebingen Variant Classification Criteria Version 2. Collection method: clinical testing. Allele origin: germline. Affected: yes. Observed: 2 variant alleles.
Comment: NOD2: PM2, BP4